The following is an entry in ClinVar:

ClinVar aggregate classification (germline): Benign/Likely benign. Review status: criteria provided, multiple submitters, no conflicts (2 of 4 stars). 3 submissions from 3 submitters: Benign (1); Likely benign (2). Last evaluated 2026-01-13.

Conditions:
Encephalopathy, acute, infection-induced (herpes-specific), susceptibility to, 1. Also called: Herpes simplex encephalitis, susceptibility to, 1. Identifiers: Orphanet 1930, MedGen C2750180, MONDO:0024563, OMIM 610551.

Allele frequency attached by ClinVar (database versions not stated): ESP Exome Variant Server 0.00146; 1000 Genomes Project 0.00180; TOPMed 0.00186; 1000 Genomes Project 30x 0.00187; gnomAD 0.00187 and 0.00176; gnomAD exomes 0.00018 and 0.00050; ExAC 0.00053.
gnomAD v4.1: 554 of 1,614,074 alleles (0.034%); highest among the groups gnomAD compares: African/African-American, 0.65%; 1 homozygote.

Submissions (3):

Labcorp Genetics (formerly Invitae), Labcorp
Classification: Benign for Encephalopathy, acute, infection-induced (herpes-specific), susceptibility to, 1. Last evaluated: 2026-01-13. Review status: criteria provided, single submitter. Criteria: Invitae Variant Classification Sherloc (09022015). Collection method: clinical testing. Allele origin: germline.

Blueprint Genetics
Classification: Likely benign. Last evaluated: 2024-09-09. Review status: criteria provided, single submitter. Criteria: ACMG Guidelines, 2015. Collection method: clinical testing. Allele origin: germline.

CeGaT Center for Human Genetics Tuebingen
Classification: Likely benign. Last evaluated: 2024-04-01. Review status: criteria provided, single submitter. Criteria: CeGaT Center For Human Genetics Tuebingen Variant Classification Criteria Version 2. Collection method: clinical testing. Allele origin: germline. Affected: yes. Observed: 1 variant allele.
Comment: TLR3: BP4, BP7

NM_003265.3(TLR3):c.727T>C (p.Leu243=)

Gene: TLR3 (toll like receptor 3; plus strand). Cytogenetic location: 4q35.1.
Variant type: single nucleotide variant.
Coding change: c.727T>C on transcript NM_003265.3 (MANE Select); coding-DNA position 727, T replaced by C.
Protein change: p.Leu243=; no amino-acid change (leucine 243 retained).
Molecular consequence: synonymous variant.
Genome position (GRCh38, 1-based): chr4:186,082,413, T>C. VCF-style: chr4-186082413-T-C. GRCh37 (hg19) VCF-style: chr4-187003567-T-C.
Identifiers: ClinVar variation 470485 (VCV000470485.33), dbSNP rs75290011, ClinGen allele CA3161298.
Genomic context (GRCh38, chr4:186,082,413, plus strand): 5'-TTATTTGGCCTCTTTCTGAACAATGTCCAGCTGGGTCCCAGCCTTACAGAGAAGCTATGT[T>C]TGGAATTAGCAAACACAAGCATTCGGAATCTGTCTCTGAGTAACAGCCAGCTGTCCACCA-3'
Protein context (NP_003256.1, residues 233-253): LGPSLTEKLC[Leu243=]ELANTSIRNL